The following is an entry in ClinVar:

NM_003072.5(SMARCA4):c.3173C>G (p.Ser1058Cys)

Gene: SMARCA4 (SWI/SNF related BAF chromatin remodeling complex subunit ATPase 4; plus strand). Cytogenetic location: 19p13.2.
Variant type: single nucleotide variant.
Coding change: c.3173C>G on transcript NM_003072.5 (MANE Select); coding-DNA position 3173, C replaced by G.
Protein change: p.Ser1058Cys; replaces serine 1058 with cysteine.
Molecular consequence: missense variant. On other transcripts: non-coding transcript variant (1).
Genome position (GRCh38, 1-based): chr19:11,026,304, C>G. VCF-style: chr19-11026304-C-G. GRCh37 (hg19) VCF-style: chr19-11136980-C-G.
Other names: c.3173C>G, p.Ser1058Cys (NM_001128844.3, NM_001128845.2, NM_001128846.2 and 6 more transcripts); short protein forms S1058C.
Identifiers: ClinVar variation 1728464 (VCV001728464.2), dbSNP rs2146515463, ClinGen allele CA404060042.

ClinVar aggregate classification (germline): Uncertain significance (1 of 4 stars; one submission).

Conditions:
Hereditary cancer-predisposing syndrome. Also called: Tumor predisposition; Neoplastic Syndromes, Hereditary; Hereditary Cancer Syndrome; Hereditary neoplastic syndrome. Identifiers: Orphanet 140162, MedGen C0027672, MeSH D009386, MONDO:0015356.

Submission:

Ambry Genetics
Classification: Uncertain significance for Hereditary cancer-predisposing syndrome. Last evaluated: 2021-09-29. Review status: criteria provided, single submitter. Criteria: Ambry Variant Classification Scheme 2023. Collection method: clinical testing. Allele origin: germline.
Comment: The p.S1058C variant (also known as c.3173C>G), located in coding exon 22 of the SMARCA4 gene, results from a C to G substitution at nucleotide position 3173. The serine at codon 1058 is replaced by cysteine, an amino acid with dissimilar properties. This amino acid position is highly conserved in available vertebrate species. In addition, the in silico prediction for this alteration is inconclusive. Missense and in-frame variants in SMARCA4 are known to cause neurodevelopmental disorders; however, such associations with rhabdoid tumor predisposition syndrome including small cell carcinoma of the ovary-hypercalcemic type (SCCOHT) are exceedingly rare (Kosho T et al. Am J Med Genet C Semin Med Genet. 2014 Sep;166C(3):262-75; Jelinic P et al. Nat Genet. 2014 May;46(5):424-6). Based on the supporting evidence, the association of this alteration with rhabdoid tumor predisposition syndrome as well as with Coffin-Siris syndrome is unknown.